The following is an entry in ClinVar:

ClinVar aggregate classification (germline): Uncertain significance. Review status: criteria provided, multiple submitters, no conflicts (2 of 4 stars). 3 submissions from 3 submitters: Uncertain significance (3). Last evaluated 2026-02-27.

Conditions:
Congenital portosystemic shunt. Identifiers: Orphanet 480531, MedGen C1290495, MONDO:0018811.
Cardiovascular phenotype. Identifiers: MedGen CN230736.

Allele frequency attached by ClinVar (database versions not stated): gnomAD 0.00005; ExAC 0.00007; TOPMed 0.00002; gnomAD exomes 0.00004.
gnomAD v4.1: 59 of 1,613,184 alleles (0.0037%); highest among the groups gnomAD compares: East Asian, 0.13%; no homozygotes.

Submissions (3):

Department of Pediatrics, Graduate School of Medical Sciences, Kyushu University
Classification: Uncertain significance for Congenital portosystemic shunt. Last evaluated: 2026-02-27. Review status: criteria provided, single submitter. Criteria: ACMG Guidelines, 2015. Collection method: research. Allele origin: germline. Affected: yes.
Comment: Both variants are rare or absent in population databases such as gnomAD, and in silico prediction tools including CADD suggest potential deleterious effects. However, the relationship between this gene and CPSS has not been established. Therefore, the clinical significance of this variant is currently classified as a variant of uncertain significance (VUS).

Revvity Omics, Revvity
Classification: Uncertain significance. Last evaluated: 2025-06-13. Review status: criteria provided, single submitter. Criteria: ACMG Guidelines, 2015. Collection method: clinical testing. Allele origin: germline.

Ambry Genetics
Classification: Uncertain significance for Cardiovascular phenotype. Last evaluated: 2020-03-20. Review status: criteria provided, single submitter. Criteria: Ambry Variant Classification Scheme 2023. Collection method: clinical testing. Allele origin: germline.
Comment: The p.I14753T variant (also known as c.44258T>C), located in coding exon 153 of the TTN gene, results from a T to C substitution at nucleotide position 44258. The isoleucine at codon 14753 is replaced by threonine, an amino acid with similar properties. This amino acid position is poorly conserved in available vertebrate species. In addition, this alteration is predicted to be tolerated by in silico analysis. Since supporting evidence is limited at this time, the clinical significance of this alteration remains unclear.

NM_001267550.2(TTN):c.71453T>C (p.Ile23818Thr)

Genes: TTN (titin; minus strand), TTN-AS1 (TTN antisense RNA 1; plus strand). Cytogenetic location: 2q31.2.
Variant type: single nucleotide variant.
Coding change: c.71453T>C on transcript NM_001267550.2 (MANE Select); coding-DNA position 71453, T replaced by C.
Protein change: p.Ile23818Thr; replaces isoleucine 23818 with threonine.
Molecular consequence: missense variant.
Genome position (GRCh38, 1-based): chr2:178,574,679, A>G on the plus strand (T>C on the coding strand, the complement: TTN is on the minus strand). VCF-style: chr2-178574679-A-G. GRCh37 (hg19) VCF-style: chr2-179439406-A-G.
Other names: c.66530T>C, p.Ile22177Thr (NM_001256850.1); c.44258T>C, p.Ile14753Thr (NM_003319.4); c.63749T>C, p.Ile21250Thr (NM_133378.4); c.44633T>C, p.Ile14878Thr (NM_133432.3); c.44834T>C, p.Ile14945Thr (NM_133437.4); short protein forms I14945T, I23818T, I21250T, I14753T, I14878T, I22177T.
Identifiers: ClinVar variation 1740506 (VCV001740506.4), dbSNP rs749803403, ClinGen allele CA1990627.